The following is an entry in ClinVar:

ClinVar aggregate classification (germline): Uncertain significance. Review status: criteria provided, multiple submitters, no conflicts (2 of 4 stars). 5 submissions from 5 submitters: Uncertain significance (5). Last evaluated 2025-08-03.

Conditions:
Cardiovascular phenotype. Identifiers: MedGen CN230736.
Hypertrophic cardiomyopathy. Also called: HYPERTROPHIC MYOCARDIOPATHY. Identifiers: Orphanet 217569, MedGen C0007194, MeSH D002312, MONDO:0005045, HP:0001639.
Hypertrophic cardiomyopathy 17. Identifiers: MedGen C3151264, MONDO:0013474, OMIM 613873.
Cardiomyopathy, dilated, 2E. Identifiers: MedGen C5561970, MONDO:0030366, OMIM 619492.

Allele frequency attached by ClinVar (database versions not stated): TOPMed 0.00001.

Submissions (5):

Labcorp Genetics (formerly Invitae), Labcorp
Classification: Uncertain significance for Hypertrophic cardiomyopathy. Last evaluated: 2025-08-03. Review status: criteria provided, single submitter. Criteria: Invitae Variant Classification Sherloc (09022015). Collection method: clinical testing. Allele origin: germline.
Comment: This sequence change replaces arginine, which is basic and polar, with leucine, which is neutral and non-polar, at codon 197 of the JPH2 protein (p.Arg197Leu). The frequency data for this variant in the population databases is considered unreliable, as metrics indicate poor data quality at this position in the gnomAD database. This variant has not been reported in the literature in individuals affected with JPH2-related conditions. ClinVar contains an entry for this variant (Variation ID: 524960). An algorithm developed to predict the effect of missense changes on protein structure and function (PolyPhen-2) suggests that this variant is likely to be disruptive. In summary, the available evidence is currently insufficient to determine the role of this variant in disease. Therefore, it has been classified as a Variant of Uncertain Significance.

GeneDx
Classification: Uncertain significance. Last evaluated: 2024-07-23. Review status: criteria provided, single submitter. Criteria: GeneDx Variant Classification Process June 2021. Collection method: clinical testing. Allele origin: germline. Affected: yes.
Comment: Has not been previously published as pathogenic or benign to our knowledge; Not observed at significant frequency in large population cohorts (gnomAD); In silico analysis supports that this missense variant has a deleterious effect on protein structure/function

Fulgent Genetics
Classification: Uncertain significance for Hypertrophic cardiomyopathy 17; Cardiomyopathy, dilated, 2E. Last evaluated: 2021-10-07. Review status: criteria provided, single submitter. Criteria: ACMG Guidelines, 2015. Collection method: clinical testing. Allele origin: unknown.

Ambry Genetics
Classification: Uncertain significance for Cardiovascular phenotype. Last evaluated: 2021-06-17. Review status: criteria provided, single submitter. Criteria: Ambry Variant Classification Scheme 2023. Collection method: clinical testing. Allele origin: germline.
Comment: The p.R197L variant (also known as c.590G>T), located in coding exon 2 of the JPH2 gene, results from a G to T substitution at nucleotide position 590. The arginine at codon 197 is replaced by leucine, an amino acid with dissimilar properties. This alteration has been reported in a hypertrophic cardiomyopathy (HCM) cohort (Mademont-Soler I et al. PLoS One, 2017 Aug;12:e0181465). This amino acid position is well conserved in available vertebrate species. In addition, the in silico prediction for this alteration is inconclusive. Since supporting evidence is limited at this time, the clinical significance of this alteration remains unclear.

Clinical Genomics Laboratory, Stanford Medicine
Classification: Uncertain significance for Cardiomyopathy, dilated, 2E. Last evaluated: 2021-06-11. Review status: criteria provided, single submitter. Criteria: ACMG Guidelines, 2015. Collection method: clinical testing. Allele origin: germline. Affected: yes. Observed: 1 heterozygote.
Comment: The p.Arg197Leu variant in the JPH2 gene has not been previously reported in association with disease. This variant was absent from large population databases, including the Genome Aggregation Database; however, this region is indicated to have poor coverage. Computational tools predict that the p.Arg197Leu variant is deleterious; however, the accuracy of in silico algorithms is limited. These data were assessed using the ACMG/AMP variant interpretation guidelines. In summary, the significance of the p.Arg197Leu variant is uncertain. Additional information is needed to resolve the significance of this variant. [ACMG evidence codes used: PM2_Supporting, PP3]

Literature cited by the submitters: PubMed 28771489 (cited by Ambry Genetics).

NM_020433.5(JPH2):c.590G>T (p.Arg197Leu)

Gene: JPH2 (junctophilin 2; minus strand). Cytogenetic location: 20q13.12.
Variant type: single nucleotide variant.
Coding change: c.590G>T on transcript NM_020433.5 (MANE Select); coding-DNA position 590, G replaced by T.
Protein change: p.Arg197Leu; replaces arginine 197 with leucine.
Molecular consequence: missense variant.
Genome position (GRCh38, 1-based): chr20:44,160,197, C>A on the plus strand (G>T on the coding strand, the complement: JPH2 is on the minus strand). VCF-style: chr20-44160197-C-A. GRCh37 (hg19) VCF-style: chr20-42788837-C-A.
Other names: p.Arg197Leu; short protein forms R197L.
Identifiers: ClinVar variation 524960 (VCV000524960.14), dbSNP rs1258920337, ClinGen allele CA409094078.
Genomic context (GRCh38, chr20:44,160,197, plus strand): 5'-CCCTTGGGCGCCCGCGCGGCCGCCTCGGCATTGGCCAGGAGGCTGAGCGCGAAGCCGCCA[C>A]GCGGGATGGCGGGCGAGGGCAGCGCGGGGCCGTCGGAGGCCGGCGAGGCGGGAGAGTCCG-3'
Protein context (NP_065166.2, residues 187-207): GPALPSPAIP[Arg197Leu]GGFALSLLAN